The following is an entry in ClinVar:

ClinVar aggregate classification (germline): Likely benign (0 of 4 stars; one submission).

Conditions:
PPARG-related disorder. Also called: PPARG-related disorders; PPARG-related condition.

gnomAD v4.1: 7 of 1,613,928 alleles (0.00043%); highest among the groups gnomAD compares: African/African-American, 0.0027%; no homozygotes.

Submission:

PreventionGenetics, part of Exact Sciences
Classification: Likely benign for PPARG-related condition. Last evaluated: 2024-08-20. Review status: no assertion criteria provided. Collection method: clinical testing. Allele origin: germline.
Comment: This variant is classified as likely benign based on ACMG/AMP sequence variant interpretation guidelines (Richards et al. 2015 PMID: 25741868, with internal and published modifications).

NM_138711.6(PPARG):c.801C>A (p.Pro267=)

Gene: PPARG (peroxisome proliferator activated receptor gamma; plus strand). Cytogenetic location: 3p25.2.
Variant type: single nucleotide variant.
Coding change: c.801C>A on transcript NM_138711.6 (MANE Select); coding-DNA position 801, C replaced by A.
Protein change: p.Pro267=; no amino-acid change (proline 267 retained).
Molecular consequence: synonymous variant. On other transcripts: intron variant (5).
Genome position (GRCh38, 1-based): chr3:12,416,775, C>A. VCF-style: chr3-12416775-C-A. GRCh37 (hg19) VCF-style: chr3-12458274-C-A.
Other names: c.801C>A, p.Pro267= (NM_001354666.3, NM_001354667.3, NM_001374263.2 and 3 more transcripts); c.174C>A, p.Pro58= (NM_001354669.2); c.891C>A, p.Pro297= (NM_015869.5); c.729+10694C>A (NM_001374261.3, NM_001374262.3, NM_001330615.4); c.653+10776C>A (NM_001374266.1); c.819+10694C>A (NM_001374265.1).
Identifiers: ClinVar variation 3350612 (VCV003350612.1).